The following is an entry in ClinVar:

ClinVar aggregate classification (germline): Conflicting classifications of pathogenicity. Review status: criteria provided, conflicting classifications (1 of 4 stars). 2 submissions from 2 submitters: Likely pathogenic (1); Uncertain significance (1). Last evaluated 2022-05-04.

Conditions:
Ehlers-Danlos syndrome, classic type, 1 (EDSCL1). Also called: Ehlers-Danlos syndrome, type 1; Ehlers-Danlos Syndrome, Classic Type, COL5A1-Related; EDS I; EHLERS-DANLOS SYNDROME, GRAVIS TYPE; EHLERS-DANLOS SYNDROME, SEVERE CLASSIC TYPE. Identifiers: MedGen C0268335, MONDO:0019567, OMIM 130000.

Submissions (2):

Mendelics
Classification: Likely pathogenic for Ehlers-Danlos syndrome, classic type, 1. Last evaluated: 2022-05-04. Review status: criteria provided, single submitter. Criteria: Mendelics Assertion Criteria 2019. Collection method: clinical testing. Allele origin: germline.

Labcorp Genetics (formerly Invitae), Labcorp
Classification: Uncertain significance for Ehlers-Danlos syndrome, classic type, 1. Last evaluated: 2019-11-26. Review status: criteria provided, single submitter. Criteria: Invitae Variant Classification Sherloc (09022015). Collection method: clinical testing. Allele origin: germline.
Comment: In summary, the available evidence is currently insufficient to determine the role of this variant in disease. Therefore, it has been classified as a Variant of Uncertain Significance. Algorithms developed to predict the effect of sequence changes on RNA splicing suggest that this variant may disrupt the consensus splice site, but this prediction has not been confirmed by published transcriptional studies. Algorithms developed to predict the effect of missense changes on protein structure and function (SIFT, PolyPhen-2, Align-GVGD) all suggest that this variant is likely to be disruptive, but these predictions have not been confirmed by published functional studies and their clinical significance is uncertain. This variant has been observed in individual(s) with clinical features of Ehlers-Danlos syndrome (Invitae). This variant is not present in population databases (ExAC no frequency). This sequence change replaces glycine with cysteine at codon 478 of the COL5A1 protein (p.Gly478Cys). The glycine residue is highly conserved and there is a large physicochemical difference between glycine and cysteine.

NM_000093.5(COL5A1):c.1432G>T (p.Gly478Cys)

Gene: COL5A1 (collagen type V alpha 1 chain; plus strand). Cytogenetic location: 9q34.3.
Variant type: single nucleotide variant.
Coding change: c.1432G>T on transcript NM_000093.5 (MANE Select); coding-DNA position 1432, G replaced by T.
Protein change: p.Gly478Cys; replaces glycine 478 with cysteine.
Molecular consequence: missense variant.
Genome position (GRCh38, 1-based): chr9:134,738,746, G>T. VCF-style: chr9-134738746-G-T. GRCh37 (hg19) VCF-style: chr9-137630592-G-T.
Other names: c.1432G>T, p.Gly478Cys (NM_001278074.1); short protein forms G478C.
Identifiers: ClinVar variation 848419 (VCV000848419.12), dbSNP rs1835194794, ClinGen allele CA375441266.